The following is an entry in ClinVar:

ClinVar aggregate classification (germline): Uncertain significance (1 of 4 stars; one submission).

gnomAD v4.1: 1 of 1,614,168 alleles (0.000062%); highest among the groups gnomAD compares: Non-Finnish European, 0.000085%; no homozygotes.

Submission:

Labcorp Genetics (formerly Invitae), Labcorp
Classification: Uncertain significance. Last evaluated: 2021-09-24. Review status: criteria provided, single submitter. Criteria: Invitae Variant Classification Sherloc (09022015). Collection method: clinical testing. Allele origin: germline.
Comment: This variant is not present in population databases (ExAC no frequency). This sequence change replaces arginine with leucine at codon 2796 of the LRP2 protein (p.Arg2796Leu). The arginine residue is weakly conserved and there is a moderate physicochemical difference between arginine and leucine. This variant has not been reported in the literature in individuals affected with LRP2-related conditions. In summary, the available evidence is currently insufficient to determine the role of this variant in disease. Therefore, it has been classified as a Variant of Uncertain Significance. Advanced modeling of protein sequence and biophysical properties (such as structural, functional, and spatial information, amino acid conservation, physicochemical variation, residue mobility, and thermodynamic stability) performed at Invitae indicates that this missense variant is not expected to disrupt LRP2 protein function.

NM_004525.3(LRP2):c.8387G>T (p.Arg2796Leu)

Gene: LRP2 (LDL receptor related protein 2; minus strand). Cytogenetic location: 2q31.1.
Variant type: single nucleotide variant.
Coding change: c.8387G>T on transcript NM_004525.3 (MANE Select); coding-DNA position 8387, G replaced by T.
Protein change: p.Arg2796Leu; replaces arginine 2796 with leucine.
Molecular consequence: missense variant.
Genome position (GRCh38, 1-based): chr2:169,201,693, C>A on the plus strand (G>T on the coding strand, the complement: LRP2 is on the minus strand). VCF-style: chr2-169201693-C-A. GRCh37 (hg19) VCF-style: chr2-170058203-C-A.
Other names: short protein forms R2796L.
Identifiers: ClinVar variation 1439645 (VCV001439645.6), dbSNP rs552943504, ClinGen allele CA349165312.